The following is an entry in ClinVar:

ClinVar aggregate classification (germline): Uncertain significance. Review status: criteria provided, multiple submitters, no conflicts (2 of 4 stars). 2 submissions from 2 submitters: Uncertain significance (2). Last evaluated 2023-04-28.

Conditions:
Hereditary cancer-predisposing syndrome. Also called: Neoplastic Syndromes, Hereditary; Tumor predisposition; Hereditary Cancer Syndrome; Hereditary neoplastic syndrome. Identifiers: Orphanet 140162, MedGen C0027672, MeSH D009386, MONDO:0015356.
Familial adenomatous polyposis 1 (FAP1). Also called: FAMILIAL ADENOMATOUS POLYPOSIS 1, ATTENUATED; POLYPOSIS, ADENOMATOUS INTESTINAL. Identifiers: MedGen C2713442, MONDO:0021056, OMIM 175100. Disease mechanism: loss of function.

Allele frequency attached by ClinVar (database versions not stated): gnomAD exomes below 0.00001.
gnomAD v4.1: 1 of 1,612,518 alleles (0.000062%); highest among the groups gnomAD compares: African/African-American, 0.0013%; no homozygotes.

Submissions (2):

Labcorp Genetics (formerly Invitae), Labcorp
Classification: Uncertain significance for Familial adenomatous polyposis 1. Last evaluated: 2023-04-28. Review status: criteria provided, single submitter. Criteria: Invitae Variant Classification Sherloc (09022015). Collection method: clinical testing. Allele origin: germline.
Comment: In summary, the available evidence is currently insufficient to determine the role of this variant in disease. Therefore, it has been classified as a Variant of Uncertain Significance. Advanced modeling of protein sequence and biophysical properties (such as structural, functional, and spatial information, amino acid conservation, physicochemical variation, residue mobility, and thermodynamic stability) performed at Invitae indicates that this missense variant is not expected to disrupt APC protein function. ClinVar contains an entry for this variant (Variation ID: 1000630). This variant has not been reported in the literature in individuals affected with APC-related conditions. This variant is not present in population databases (gnomAD no frequency). This sequence change replaces isoleucine, which is neutral and non-polar, with leucine, which is neutral and non-polar, at codon 228 of the APC protein (p.Ile228Leu).

Ambry Genetics
Classification: Uncertain significance for Hereditary cancer-predisposing syndrome. Last evaluated: 2021-02-04. Review status: criteria provided, single submitter. Criteria: Ambry Variant Classification Scheme 2023. Collection method: clinical testing. Allele origin: germline.
Comment: The p.I228L variant (also known as c.682A>T), located in coding exon 6 of the APC gene, results from an A to T substitution at nucleotide position 682. The isoleucine at codon 228 is replaced by leucine, an amino acid with highly similar properties. This amino acid position is highly conserved in available vertebrate species. In addition, in silico predictors for this gene do not accurately predict pathogenicity. Since supporting evidence is limited at this time, the clinical significance of this alteration remains unclear.

NM_000038.6(APC):c.682A>T (p.Ile228Leu)

Gene: APC (APC regulator of Wnt signaling pathway; plus strand). Cytogenetic location: 5q22.2.
Variant type: single nucleotide variant.
Coding change: c.682A>T on transcript NM_000038.6 (MANE Select); coding-DNA position 682, A replaced by T.
Protein change: p.Ile228Leu; replaces isoleucine 228 with leucine.
Molecular consequence: missense variant. On other transcripts: 5 prime UTR variant (1), intron variant (2).
Genome position (GRCh38, 1-based): chr5:112,792,482, A>T. VCF-style: chr5-112792482-A-T. GRCh37 (hg19) VCF-style: chr5-112128179-A-T.
Other names: c.682A>T, p.Ile228Leu (NM_001127510.3, NM_001354895.2, NM_001354896.2 and 1 more transcripts); c.712A>T, p.Ile238Leu (NM_001354897.2, NM_001354902.2); c.607A>T, p.Ile203Leu (NM_001354898.2, NM_001354904.2); c.505A>T, p.Ile169Leu (NM_001354900.2, NM_001354901.2, NM_001354905.2); c.-354A>T (NM_001354906.2); c.676-8797A>T (NM_001127511.3); c.646-8797A>T (NM_001354899.2); short protein forms I169L, I203L, I228L, I238L.
Identifiers: ClinVar variation 1000630 (VCV001000630.12), dbSNP rs1554074757, ClinGen allele CA16022831.